The following is an entry in ClinVar:

ClinVar aggregate classification (germline): Uncertain significance (1 of 4 stars; one submission).

Conditions:
Parkinsonian-pyramidal syndrome. Also called: PARKINSON DISEASE 15, AUTOSOMAL RECESSIVE EARLY-ONSET; PARKINSON DISEASE 15, AUTOSOMAL RECESSIVE; PALLIDOPYRAMIDAL SYNDROME. Identifiers: Orphanet 171695, MedGen C1850100, MONDO:0009830, OMIM 260300.

Submission:

Labcorp Genetics (formerly Invitae), Labcorp
Classification: Uncertain significance for Parkinsonian-pyramidal syndrome. Last evaluated: 2026-01-05. Review status: criteria provided, single submitter. Criteria: Invitae Variant Classification Sherloc (09022015). Collection method: clinical testing. Allele origin: germline.
Comment: This sequence change replaces serine, which is neutral and polar, with arginine, which is basic and polar, at codon 473 of the FBXO7 protein (p.Ser473Arg). This variant is not present in population databases (gnomAD no frequency). This variant has not been reported in the literature in individuals affected with FBXO7-related conditions. Invitae Evidence Modeling of protein sequence and biophysical properties (such as structural, functional, and spatial information, amino acid conservation, physicochemical variation, residue mobility, and thermodynamic stability) indicates that this missense variant is not expected to disrupt FBXO7 protein function with a negative predictive value of 80%. In summary, the available evidence is currently insufficient to determine the role of this variant in disease. Therefore, it has been classified as a Variant of Uncertain Significance.

NM_012179.4(FBXO7):c.1419C>G (p.Ser473Arg)

Gene: FBXO7 (F-box protein 7; plus strand). Cytogenetic location: 22q12.3.
Variant type: single nucleotide variant.
Coding change: c.1419C>G on transcript NM_012179.4 (MANE Select); coding-DNA position 1419, C replaced by G.
Protein change: p.Ser473Arg; replaces serine 473 with arginine.
Molecular consequence: missense variant.
Genome position (GRCh38, 1-based): chr22:32,498,380, C>G. VCF-style: chr22-32498380-C-G. GRCh37 (hg19) VCF-style: chr22-32894367-C-G.
Other names: c.1182C>G, p.Ser394Arg (NM_001033024.2); c.1077C>G, p.Ser359Arg (NM_001257990.2); short protein forms S359R, S394R, S473R.
Identifiers: ClinVar variation 4744409 (VCV004744409.1).